The following is an entry in ClinVar:

NM_001040142.2(SCN2A):c.2945T>G (p.Leu982Arg)

Gene: SCN2A (sodium voltage-gated channel alpha subunit 2; plus strand). Cytogenetic location: 2q24.3.
Variant type: single nucleotide variant.
Coding change: c.2945T>G on transcript NM_001040142.2 (MANE Select); coding-DNA position 2945, T replaced by G.
Protein change: p.Leu982Arg; replaces leucine 982 with arginine.
Molecular consequence: missense variant.
Genome position (GRCh38, 1-based): chr2:165,354,217, T>G. VCF-style: chr2-165354217-T-G. GRCh37 (hg19) VCF-style: chr2-166210727-T-G.
Other names: c.2945T>G, p.Leu982Arg (NM_001040143.2, NM_001371246.1, NM_001371247.1 and 1 more transcripts); short protein forms L982R.
Identifiers: ClinVar variation 841679 (VCV000841679.10), dbSNP rs1700069682, ClinGen allele CA349019427.

ClinVar aggregate classification (germline): Uncertain significance (1 of 4 stars; one submission).

Conditions:
Developmental and epileptic encephalopathy, 11 (DEE11). Also called: Early infantile epileptic encephalopathy 11. Identifiers: Orphanet 1934, MedGen C3150987, MONDO:0013388, OMIM 613721.
Seizures, benign familial infantile, 3 (BFIS3). Also called: Familial neonatal seizures; CONVULSIONS, BENIGN FAMILIAL INFANTILE, 3. Identifiers: Orphanet 140927, Orphanet 306, MedGen C1843140, MONDO:0011904, OMIM 607745.

Submission:

Labcorp Genetics (formerly Invitae), Labcorp
Classification: Uncertain significance for Seizures, benign familial infantile, 3; Developmental and epileptic encephalopathy, 11. Last evaluated: 2019-12-03. Review status: criteria provided, single submitter. Criteria: Invitae Variant Classification Sherloc (09022015). Collection method: clinical testing. Allele origin: germline.
Comment: In summary, the available evidence is currently insufficient to determine the role of this variant in disease. Therefore, it has been classified as a Variant of Uncertain Significance. Algorithms developed to predict the effect of missense changes on protein structure and function are either unavailable or do not agree on the potential impact of this missense change (SIFT: "Deleterious"; PolyPhen-2: "Probably Damaging"; Align-GVGD: "Class C0"). This variant has not been reported in the literature in individuals with SCN2A-related conditions. This variant is not present in population databases (ExAC no frequency). This sequence change replaces leucine with arginine at codon 982 of the SCN2A protein (p.Leu982Arg). The leucine residue is highly conserved and there is a moderate physicochemical difference between leucine and arginine.